The following is an entry in ClinVar:

ClinVar aggregate classification (germline): Conflicting classifications of pathogenicity. Review status: criteria provided, conflicting classifications (1 of 4 stars). 6 submissions from 6 submitters: Pathogenic (2); Uncertain significance (2). 2 of the submissions do not count toward it. Last evaluated 2024-10-04.

Conditions:
Leukodystrophy, hypomyelinating, 8, with or without oligodontia and/or hypogonadotropic hypogonadism. Also called: Endosteal sclerosis-cerebellar hypoplasia syndrome; Hypomyelinating leukodystrophy 8 with or without oligodontia and-or hypogonadotropic hypogonadism; LEUKODYSTROPHY, HYPOMYELINATING, 8, WITH HYPODONTIA AND HYPOGONADOTROPIC HYPOGONADISM. Identifiers: Orphanet 85186, Orphanet 88637, MedGen C3280644, MONDO:0013722, OMIM 614381.
Leukodystrophy. Identifiers: Orphanet 68356, MedGen C0023520, MONDO:0019046, HP:0002415.

Allele frequency attached by ClinVar (database versions not stated): gnomAD 0.00002; gnomAD exomes 0.00001 and below 0.00001; TOPMed below 0.00001; ExAC 0.00001.
gnomAD v4.1: 17 of 1,612,768 alleles (0.0011%); highest among the groups gnomAD compares: Non-Finnish European, 0.0012%; no homozygotes.

Submissions (6):

Dubai Health Genomic Medicine Center, Dubai Health
Classification: Pathogenic for Leukodystrophy. Last evaluated: 2024-10-04. Review status: criteria provided, single submitter. Criteria: ACMG Guidelines, 2015. Collection method: research. Allele origin: germline. Affected: yes.
Comment: PS2,PM3,PM2

GeneDx
Classification: Pathogenic. Last evaluated: 2024-05-30. Review status: criteria provided, single submitter. Criteria: GeneDx Variant Classification Process June 2021. Collection method: clinical testing. Allele origin: germline. Affected: yes.
Comment: Not observed at significant frequency in large population cohorts (gnomAD); In silico analysis supports that this missense variant has a deleterious effect on protein structure/function; This variant is associated with the following publications: (PMID: 27029625, 22855961)

Clinical Genetics Laboratory, Skane University Hospital Lund
Classification: Uncertain significance. Last evaluated: 2023-06-16. Review status: criteria provided, single submitter. Criteria: ACMG Guidelines, 2015. Collection method: clinical testing. Allele origin: germline. Affected: yes.

Broad Center for Mendelian Genomics, Broad Institute of MIT and Harvard
Classification: Uncertain significance for Leukodystrophy, hypomyelinating, 8, with or without oligodontia and/or hypogonadotropic hypogonadism. Last evaluated: 2022-02-28. Review status: criteria provided, single submitter. Criteria: ACMG Guidelines, 2015. Collection method: curation. Allele origin: germline. Inheritance: Autosomal recessive inheritance.
Comment: The p.Pro925Leu variant in POLR3B has been reported in 1 individual in the compound heterozygous state with 4H leukodystrophy (PMID: 27029625), and has been identified in 0.004% (1/25122) of European (Finnish) chromosomes by the Genome Aggregation Database (gnomAD; dbSNP ID: rs775141057). Although this variant has been seen in the general population in a heterozygous state, its frequency is low enough to be consistent with a recessive carrier frequency. This variant has also been reported in ClinVar (Variation ID#: 375248) and has been interpreted as pathogenic by GeneReviews and Biochimie-Hormonologie (Robert Debre Hospital). Computational prediction tools and conservation analyses suggest that this variant may impact the protein, though this information is not predictive enough to determine pathogenicity. The number of missense variants reported in POLR3B in the general population is lower than expected, suggesting there is little benign variation in this gene and slightly increasing the possibility that a missense variant in this gene may not be tolerated. In summary, the clinical significance of the p.Pro925Leu variant is uncertain. ACMG/AMP Criteria applied: PM2_supporting, PP3, PP2 (Richards 2015).

Biochimie-Hormonologie, Robert Debre Hospital
Classification: Pathogenic. Last evaluated: 2016-12-21. Review status: no assertion criteria provided. Collection method: clinical testing. Allele origin: germline. Inheritance: Autosomal recessive inheritance. Affected: yes. Observed: 1 variant allele. Not counted in ClinVar's aggregate classification.

GeneReviews
No classification provided. Condition: Leukodystrophy, hypomyelinating, 8, with or without oligodontia and/or hypogonadotropic hypogonadism. Review status: no classification provided. Collection method: literature only. Allele origin: germline. Not counted in ClinVar's aggregate classification.

Literature cited by the submitters: PubMed 27029625 (cited by GeneReviews); PubMed 22855961 (cited by GeneReviews).

NM_018082.6(POLR3B):c.2774C>T (p.Pro925Leu)

Gene: POLR3B (RNA polymerase III subunit B; plus strand). Cytogenetic location: 12q23.3.
Variant type: single nucleotide variant.
Coding change: c.2774C>T on transcript NM_018082.6 (MANE Select); coding-DNA position 2774, C replaced by T.
Protein change: p.Pro925Leu; replaces proline 925 with leucine.
Molecular consequence: missense variant.
Genome position (GRCh38, 1-based): chr12:106,496,115, C>T. VCF-style: chr12-106496115-C-T. GRCh37 (hg19) VCF-style: chr12-106889893-C-T.
Other names: NM_018082.6(POLR3B):c.2774C>T; p.Pro925Leu; c.2600C>T, p.Pro867Leu (NM_001160708.2); short protein forms P925L, P867L.
Identifiers: ClinVar variation 375248 (VCV000375248.10), dbSNP rs775141057, ClinGen allele CA6762282.